The following is an entry in ClinVar:

NM_001374736.1(DST):c.12903+18G>A

Gene: DST (dystonin; minus strand). Cytogenetic location: 6p12.1.
Variant type: single nucleotide variant.
Coding change: c.12903+18G>A on transcript NM_001374736.1 (MANE Select); 18 bases into the intron after coding-DNA position 12903, G replaced by A.
Molecular consequence: intron variant.
Genome position (GRCh38, 1-based): chr6:56,592,164, C>T on the plus strand (G>A on the coding strand, the complement: DST is on the minus strand). VCF-style: chr6-56592164-C-T. GRCh37 (hg19) VCF-style: chr6-56456962-C-T.
Other names: c.6546+18G>A (NM_001144769.5); c.12903+18G>A (NM_001374722.1); c.12930+18G>A (NM_001374734.1); c.6132+18G>A (NM_001144770.2); c.6012+18G>A (NM_001374730.1, NM_001386100.1, NM_183380.4); c.12270+18G>A (NM_001374729.1); c.5034+18G>A (NM_015548.5).
Identifiers: ClinVar variation 2146831 (VCV002146831.4), dbSNP rs372454727, ClinGen allele CA3868356.

ClinVar aggregate classification (germline): Uncertain significance (1 of 4 stars; one submission).

Conditions:
Hereditary sensory and autonomic neuropathy type 6. Also called: Neuropathy, hereditary sensory and autonomic, type VI; HSAN VI. Identifiers: Orphanet 314381, MedGen C3539003, MONDO:0013839, OMIM 614653.
Epidermolysis bullosa simplex 3, localized or generalized intermediate, with BP230 deficiency (EBS3). Also called: Epidermolysis bullosa simplex due to BP230 deficiency; Epidermolysis bullosa simplex, autosomal recessive 2. Identifiers: Orphanet 412181, MedGen C3809470, MONDO:0014180, OMIM 615425.

Allele frequency attached by ClinVar (database versions not stated): gnomAD 0.00001; TOPMed 0.00001; gnomAD exomes 0.00006; ESP Exome Variant Server 0.00008; ExAC 0.00011.
gnomAD v4.1: 88 of 1,607,480 alleles (0.0055%); highest among the groups gnomAD compares: Non-Finnish European, 0.0069%; no homozygotes.

Submission:

Labcorp Genetics (formerly Invitae), Labcorp
Classification: Uncertain significance for Epidermolysis bullosa simplex 3, localized or generalized intermediate, with BP230 deficiency; Hereditary sensory and autonomic neuropathy type 6. Last evaluated: 2022-11-26. Review status: criteria provided, single submitter. Criteria: Invitae Variant Classification Sherloc (09022015). Collection method: clinical testing. Allele origin: germline.
Comment: This sequence change falls in intron 30 of the DST gene. It does not directly change the encoded amino acid sequence of the DST protein. The DST gene has multiple clinically relevant transcripts. This variant occurs in alternate transcript NM_015548.4, and corresponds to NM_001723.5:c.*23353G>A in the primary transcript. This variant is present in population databases (rs372454727, gnomAD 0.009%). In summary, the available evidence is currently insufficient to determine the role of this variant in disease. Therefore, it has been classified as a Variant of Uncertain Significance. Experimental studies and prediction algorithms are not available or were not evaluated, and the effect of this variant on mRNA splicing is currently unknown. This variant has not been reported in the literature in individuals affected with DST-related conditions.